The following is an entry in ClinVar:

NM_006715.4(MAN2C1):c.2544T>G (p.Phe848Leu)

Gene: MAN2C1 (mannosidase alpha class 2C member 1; minus strand). Cytogenetic location: 15q24.2.
Variant type: single nucleotide variant.
Coding change: c.2544T>G on transcript NM_006715.4 (MANE Select); coding-DNA position 2544, T replaced by G.
Protein change: p.Phe848Leu; replaces phenylalanine 848 with leucine.
Molecular consequence: missense variant.
Genome position (GRCh38, 1-based): chr15:75,358,204, A>C on the plus strand (T>G on the coding strand, the complement: MAN2C1 is on the minus strand). VCF-style: chr15-75358204-A-C. GRCh37 (hg19) VCF-style: chr15-75650545-A-C.
Other names: c.2595T>G, p.Phe865Leu (NM_001256494.2); c.2544T>G, p.Phe848Leu (NM_001256495.2); c.2247T>G, p.Phe749Leu (NM_001256496.2); short protein forms F865L, F848L, F749L.
Identifiers: ClinVar variation 5005459 (VCV005005459.2).
Genomic context (GRCh38, chr15:75,358,204, plus strand): 5'-AGCAGTCTCCCCAGCCAGGGAGGAGTCCAAGGCCACTCCCACCCTGCCATGTCAGACCTC[A>C]AATCGAGCCCAGTCCCAAGAGGTATTGTAGTGGGTAGGTCGCTGCAGGTGCCCAAACTGG-3'
Protein context (NP_006706.2, residues 838-858): HYNTSWDWAR[Phe848Leu]EVWAHRWMDL

ClinVar aggregate classification (germline): Uncertain significance (1 of 4 stars; one submission).

Conditions:
Congenital disorder of deglycosylation 2 (CDDG2). Identifiers: MedGen C5676931, MONDO:0030770, OMIM 619775.

gnomAD v4.1: 190 of 1,614,122 alleles (0.012%); highest among the groups gnomAD compares: East Asian, 0.35%; no homozygotes.

Submission:

Juno Genomics, Hangzhou Juno Genomics, Inc
Classification: Uncertain significance for Congenital disorder of deglycosylation 2. Review status: criteria provided, single submitter. Criteria: ACMG Guidelines, 2015. Collection method: clinical testing. Allele origin: germline.
Comment: Absent from controls (or at extremely low frequency if recessive) in Genome Aggregation Database.;Multiple lines of computational evidence support a deleterious effect on the gene or gene product.